The following is an entry in ClinVar:

NM_001003694.2(BRPF1):c.316C>T (p.Arg106Cys)

Gene: BRPF1 (bromodomain and PHD finger containing 1; plus strand). Cytogenetic location: 3p25.3.
Variant type: single nucleotide variant.
Coding change: c.316C>T on transcript NM_001003694.2 (MANE Select); coding-DNA position 316, C replaced by T.
Protein change: p.Arg106Cys; replaces arginine 106 with cysteine.
Molecular consequence: missense variant. On other transcripts: non-coding transcript variant (1).
Genome position (GRCh38, 1-based): chr3:9,734,456, C>T. VCF-style: chr3-9734456-C-T. GRCh37 (hg19) VCF-style: chr3-9776140-C-T.
Other names: c.316C>T, p.Arg106Cys (NM_001319049.2, NM_001319050.2, NM_001410704.1 and 1 more transcripts); short protein forms R106C.
Identifiers: ClinVar variation 2691446 (VCV002691446.2), dbSNP rs2471446805, ClinGen allele CA351679836.

ClinVar aggregate classification (germline): Uncertain significance. Review status: criteria provided, multiple submitters, no conflicts (2 of 4 stars). 2 submissions from 2 submitters: Uncertain significance (2). Last evaluated 2024-03-15.

Allele frequency attached by ClinVar (database versions not stated): gnomAD exomes 0.00001.

Submissions (2):

Blueprint Genetics
Classification: Uncertain significance. Last evaluated: 2024-03-15. Review status: criteria provided, single submitter. Criteria: ACMG Guidelines, 2015. Collection method: clinical testing. Allele origin: germline.

Women's Health and Genetics/Laboratory Corporation of America, LabCorp
Classification: Uncertain significance. Last evaluated: 2023-12-29. Review status: criteria provided, single submitter. Criteria: LabCorp Variant Classification Summary - May 2015. Collection method: clinical testing. Allele origin: germline.
Comment: Variant summary: BRPF1 c.316C>T (p.Arg106Cys) results in a non-conservative amino acid change located in the Enhancer of polycomb-like, N-terminal domain (IPR019542) of the encoded protein sequence. Four of five in-silico tools predict a damaging effect of the variant on protein function. The variant allele was found at a frequency of 5.5e-06 in 1461882 control chromosomes (i.e., 8 alleles; gnomAD v4.0.0). The available data on variant occurrences in the general population are insufficient to allow any conclusion about variant significance. To our knowledge, no occurrence of c.316C>T in individuals affected with Intellectual Developmental Disorder With Dysmorphic Facies And Ptosis and no experimental evidence demonstrating its impact on protein function have been reported. No submitters have reported clinical-significance assessments for this variant to ClinVar after 2014. Based on the evidence outlined above, the variant was classified as uncertain significance.